The following is an entry in ClinVar:

ClinVar aggregate classification (germline): Uncertain significance (1 of 4 stars; one submission).

Conditions:
Cataract 10 multiple types. Also called: CATARACT 10, CONGENITAL ZONULAR, WITH SUTURAL OPACITIES. Identifiers: Orphanet 91492, MedGen C1833229, MONDO:0010948, OMIM 600881.

Allele frequency attached by ClinVar (database versions not stated): gnomAD exomes 0.00001 and 0.00003; TOPMed 0.00001; ExAC 0.00003.
gnomAD v4.1: 9 of 1,614,222 alleles (0.00056%); highest among the groups gnomAD compares: East Asian, 0.011%; no homozygotes.

Submission:

Labcorp Genetics (formerly Invitae), Labcorp
Classification: Uncertain significance for Cataract 10 multiple types. Last evaluated: 2022-11-14. Review status: criteria provided, single submitter. Criteria: Invitae Variant Classification Sherloc (09022015). Collection method: clinical testing. Allele origin: germline.
Comment: This variant is present in population databases (rs773038726, gnomAD 0.03%). This sequence change replaces leucine, which is neutral and non-polar, with serine, which is neutral and polar, at codon 183 of the CRYBA1 protein (p.Leu183Ser). This variant has not been reported in the literature in individuals affected with CRYBA1-related conditions. In summary, the available evidence is currently insufficient to determine the role of this variant in disease. Therefore, it has been classified as a Variant of Uncertain Significance. Algorithms developed to predict the effect of missense changes on protein structure and function are either unavailable or do not agree on the potential impact of this missense change (SIFT: "Deleterious"; PolyPhen-2: "Probably Damaging"; Align-GVGD: "Class C0"). ClinVar contains an entry for this variant (Variation ID: 1435605).

NM_005208.5(CRYBA1):c.548T>C (p.Leu183Ser)

Gene: CRYBA1 (crystallin beta A1; plus strand). Cytogenetic location: 17q11.2.
Variant type: single nucleotide variant.
Coding change: c.548T>C on transcript NM_005208.5 (MANE Select); coding-DNA position 548, T replaced by C.
Protein change: p.Leu183Ser; replaces leucine 183 with serine.
Molecular consequence: missense variant.
Genome position (GRCh38, 1-based): chr17:29,254,249, T>C. VCF-style: chr17-29254249-T-C. GRCh37 (hg19) VCF-style: chr17-27581267-T-C.
Other names: short protein forms L183S.
Identifiers: ClinVar variation 1435605 (VCV001435605.6), dbSNP rs773038726, ClinGen allele CA8473825.